The following is an entry in ClinVar:

NM_025137.4(SPG11):c.7079A>C (p.Asp2360Ala)

Gene: SPG11 (SPG11 vesicle trafficking associated, spatacsin; minus strand). Cytogenetic location: 15q21.1.
Variant type: single nucleotide variant.
Coding change: c.7079A>C on transcript NM_025137.4 (MANE Select); coding-DNA position 7079, A replaced by C.
Protein change: p.Asp2360Ala; replaces aspartic acid 2360 with alanine.
Molecular consequence: missense variant.
Genome position (GRCh38, 1-based): chr15:44,564,619, T>G on the plus strand (A>C on the coding strand, the complement: SPG11 is on the minus strand). VCF-style: chr15-44564619-T-G. GRCh37 (hg19) VCF-style: chr15-44856817-T-G.
Other names: c.6740A>C, p.Asp2247Ala (NM_001160227.2); c.7079A>C (NM_025137.3); short protein forms D2247A, D2360A.
Identifiers: ClinVar variation 1437353 (VCV001437353.6), dbSNP rs373463137, ClinGen allele CA270057365.
Genomic context (GRCh38, chr15:44,564,619, plus strand): 5'-TCTTCAAATATACTGGACTTTAATAACCTTTGCTGCTTAAATTCTTCCAAGTAATTAAAG[T>G]CTCCTTTAAGAATCACTTGCTGGTATAAAATTTCAGCCCAATCTGGAACAAAATCGTAGG-3'
Protein context (NP_079413.3, residues 2350-2370): ILYQQVILKG[Asp2360Ala]FNYLEEFKQQ

ClinVar aggregate classification (germline): Uncertain significance. Review status: criteria provided, multiple submitters, no conflicts (2 of 4 stars). 2 submissions from 2 submitters: Uncertain significance (2). Last evaluated 2026-09-04.

Conditions:
Hereditary spastic paraplegia 11. Also called: SPASTIC PARAPLEGIA, AUTOSOMAL RECESSIVE, COMPLICATED, WITH THIN CORPUS CALLOSUM; SPASTIC PARAPLEGIA, AUTOSOMAL RECESSIVE, WITH MENTAL IMPAIRMENT AND THIN CORPUS CALLOSUM; Spastic Paraplegia 11; Nakamura Osame syndrome; Autosomal recessive hereditary spastic paraplegia, mental impairment, and thin corpus callosum; Spastic paraplegia, mental retardation and thin corpus callosum. Identifiers: Orphanet 2822, MedGen C1858479, MONDO:0011445, OMIM 604360.
SPG11-related disorder. Also called: SPG11-related condition.

Allele frequency attached by ClinVar (database versions not stated): ESP Exome Variant Server 0.00008.
gnomAD v4.1: 20 of 1,613,570 alleles (0.0012%); highest among the groups gnomAD compares: Non-Finnish European, 0.0016%; no homozygotes.

Submissions (2):

PreventionGenetics, part of Exact Sciences
Classification: Uncertain significance for SPG11-related condition. Last evaluated: 2026-09-04. Review status: criteria provided, single submitter. Criteria: ACMG Guidelines, 2015. Collection method: clinical testing. Allele origin: germline.
Comment: The SPG11 c.7079A>C variant is predicted to result in the amino acid substitution p.Asp2360Ala. To our knowledge, this variant has not been reported in the literature or in a large population database (gnomAD), indicating this variant is rare. At this time, the clinical significance of this variant is uncertain due to the absence of conclusive functional and genetic evidence.

Labcorp Genetics (formerly Invitae), Labcorp
Classification: Uncertain significance for Hereditary spastic paraplegia 11. Last evaluated: 2022-06-27. Review status: criteria provided, single submitter. Criteria: Invitae Variant Classification Sherloc (09022015). Collection method: clinical testing. Allele origin: germline.
Comment: This sequence change replaces aspartic acid, which is acidic and polar, with alanine, which is neutral and non-polar, at codon 2360 of the SPG11 protein (p.Asp2360Ala). This variant is not present in population databases (gnomAD no frequency). This variant has not been reported in the literature in individuals affected with SPG11-related conditions. Algorithms developed to predict the effect of missense changes on protein structure and function are either unavailable or do not agree on the potential impact of this missense change (SIFT: "Tolerated"; PolyPhen-2: "Probably Damaging"; Align-GVGD: "Class C0"). In summary, the available evidence is currently insufficient to determine the role of this variant in disease. Therefore, it has been classified as a Variant of Uncertain Significance.